The following is an entry in ClinVar:

NM_201384.3(PLEC):c.2372T>C (p.Val791Ala)

Gene: PLEC (plectin; minus strand). Cytogenetic location: 8q24.3.
Variant type: single nucleotide variant.
Coding change: c.2372T>C on transcript NM_201384.3 (MANE Select); coding-DNA position 2372, T replaced by C.
Protein change: p.Val791Ala; replaces valine 791 with alanine.
Molecular consequence: missense variant.
Genome position (GRCh38, 1-based): chr8:143,930,469, A>G on the plus strand (T>C on the coding strand, the complement: PLEC is on the minus strand). VCF-style: chr8-143930469-A-G. GRCh37 (hg19) VCF-style: chr8-145004637-A-G.
Other names: p.Val818Ala; c.2453T>C, p.Val818Ala (NM_000445.5, NM_001410941.1); c.2330T>C, p.Val777Ala (NM_201378.4); c.2306T>C, p.Val769Ala (NM_201379.3); c.2783T>C, p.Val928Ala (NM_201380.4); c.2276T>C, p.Val759Ala (NM_201381.3); c.2372T>C, p.Val791Ala (NM_201382.4); c.2384T>C, p.Val795Ala (NM_201383.3); short protein forms V759A, V769A, V777A, V791A, V795A, V818A, V928A.
Identifiers: ClinVar variation 4528138 (VCV004528138.2).

ClinVar aggregate classification (germline): Uncertain significance. Review status: criteria provided, multiple submitters, no conflicts (2 of 4 stars). 2 submissions from 2 submitters: Uncertain significance (2). Last evaluated 2025-06-29.

gnomAD v4.1: 1 of 1,589,948 alleles (0.000063%); highest among the groups gnomAD compares: African/African-American, 0.0013%; no homozygotes.

Submissions (2):

Mayo Clinic Laboratories, Mayo Clinic
Classification: Uncertain significance. Last evaluated: 2025-06-29. Review status: criteria provided, single submitter. Criteria: ACMG Guidelines, 2015. Collection method: clinical testing. Allele origin: germline. Observed: 1 variant allele.
Comment: BP4, PM2_supporting

GeneDx
Classification: Uncertain significance. Last evaluated: 2025-05-09. Review status: criteria provided, single submitter. Criteria: GeneDx Variant Classification Process June 2021. Collection method: clinical testing. Allele origin: germline. Affected: yes.
Comment: Not observed at significant frequency in large population cohorts (gnomAD); In silico analysis supports that this missense variant has a deleterious effect on protein structure/function; Missense variant in a gene in which most reported pathogenic variants are truncating/loss of function; Has not been previously published as pathogenic or benign to our knowledge